The following is an entry in ClinVar:

NM_001142864.4(PIEZO1):c.4728G>C (p.Thr1576=)

Gene: PIEZO1 (piezo type mechanosensitive ion channel component 1 (Er blood group); minus strand). Cytogenetic location: 16q24.3.
Variant type: single nucleotide variant.
Coding change: c.4728G>C on transcript NM_001142864.4 (MANE Select); coding-DNA position 4728, G replaced by C.
Protein change: p.Thr1576=; no amino-acid change (threonine 1576 retained).
Molecular consequence: synonymous variant.
Genome position (GRCh38, 1-based): chr16:88,722,630, C>G on the plus strand (G>C on the coding strand, the complement: PIEZO1 is on the minus strand). VCF-style: chr16-88722630-C-G. GRCh37 (hg19) VCF-style: chr16-88789038-C-G.
Identifiers: ClinVar variation 4536059 (VCV004536059.1).
Genomic context (GRCh38, chr16:88,722,630, plus strand): 5'-CCCCCGCACCTACCTGGACACGGTGCTTGGGGCATTGGGGGCCTCGGTGGGGCCTGGCAG[C>G]GTGGCCTCGGCCTGGCTTGTGTACAGCTGATCCAGCACGCCCCTGTGCACTTCGCCGCCC-3'
Protein context (NP_001136336.2, residues 1566-1586): DQLYTSQAEA[Thr1576=]LPGPTEAPNA

ClinVar aggregate classification (germline): Likely benign (1 of 4 stars; one submission).

gnomAD v4.1: 10 of 1,538,460 alleles (0.00065%); highest among the groups gnomAD compares: Non-Finnish European, 0.00087%; no homozygotes.

Submission:

Women's Health and Genetics/Laboratory Corporation of America, LabCorp
Classification: Likely benign. Last evaluated: 2025-09-23. Review status: criteria provided, single submitter. Criteria: LabCorp Variant Classification Summary - May 2015. Collection method: clinical testing. Allele origin: germline.
Comment: Variant summary: PIEZO1 c.4728G>C results in a synonymous change. Consensus agreement among computation tools predict no significant impact on normal splicing. However, these predictions have yet to be confirmed by functional studies. The variant was absent in 139654 control chromosomes. The available data on variant occurrences in the general population are insufficient to allow any conclusion about variant significance. To our knowledge, no occurrence of c.4728G>C in individuals affected with PIEZO1-related conditions and no experimental evidence demonstrating its impact on protein function have been reported. No submitters have cited clinical-significance assessments for this variant to ClinVar. Based on the evidence outlined above, the variant was classified as likely benign.